The following is an entry in ClinVar:

NM_006502.3(POLH):c.1684G>C (p.Ala562Pro)

Gene: POLH (DNA polymerase eta; plus strand). Cytogenetic location: 6p21.1.
Variant type: single nucleotide variant.
Coding change: c.1684G>C on transcript NM_006502.3 (MANE Select); coding-DNA position 1684, G replaced by C.
Protein change: p.Ala562Pro; replaces alanine 562 with proline.
Molecular consequence: missense variant. On other transcripts: 3 prime UTR variant (1).
Genome position (GRCh38, 1-based): chr6:43,614,099, G>C. VCF-style: chr6-43614099-G-C. GRCh37 (hg19) VCF-style: chr6-43581836-G-C.
Other names: c.1312G>C, p.Ala438Pro (NM_001291969.2); c.*368G>C (NM_001291970.2); short protein forms A438P, A562P.
Identifiers: ClinVar variation 3422259 (VCV003422259.3).

ClinVar aggregate classification (germline): Uncertain significance. Review status: criteria provided, multiple submitters, no conflicts (2 of 4 stars). 2 submissions from 2 submitters: Uncertain significance (2). Last evaluated 2025-04-30.

Conditions:
Inborn genetic diseases. Identifiers: MedGen C0950123, MeSH D030342.

gnomAD v4.1: 22 of 1,614,068 alleles (0.0014%); highest among the groups gnomAD compares: Middle Eastern, 0.033%; no homozygotes.

Submissions (2):

Dasa
Classification: Uncertain significance. Last evaluated: 2025-04-30. Review status: criteria provided, single submitter. Criteria: DASA Assertion Criteria. Collection method: clinical testing. Allele origin: germline.
Comment: NM_006502.3(POLH):c.1684G>C (p.Ala562Pro) is a missense variant that results in the substitution of alanine with proline. This variant is rare in population databases. Computational prediction algorithms are consistent with a benign effect. The currently available literature and clinical evidence are not sufficient to establish a definitive association between this variant and the reported condition. Therefore, this variant is classified as a variant of uncertain significance.

Ambry Genetics
Classification: Uncertain significance for Inborn genetic diseases. Last evaluated: 2024-10-30. Review status: criteria provided, single submitter. Criteria: Ambry Variant Classification Scheme 2023. Collection method: clinical testing. Allele origin: germline.